The following is an entry in ClinVar:

NM_000540.3(RYR1):c.11697G>C (p.Gln3899His)

Gene: RYR1 (ryanodine receptor 1; plus strand). Cytogenetic location: 19q13.2.
Variant type: single nucleotide variant.
Coding change: c.11697G>C on transcript NM_000540.3 (MANE Select); coding-DNA position 11697, G replaced by C.
Protein change: p.Gln3899His; replaces glutamine 3899 with histidine.
Molecular consequence: missense variant.
Genome position (GRCh38, 1-based): chr19:38,543,354, G>C. VCF-style: chr19-38543354-G-C. GRCh37 (hg19) VCF-style: chr19-39033994-G-C.
Other names: c.11682G>C, p.Gln3894His (NM_001042723.2); short protein forms Q3894H, Q3899H.
Identifiers: ClinVar variation 642910 (VCV000642910.7), dbSNP rs1555794184, ClinGen allele CA405661092.
Genomic context (GRCh38, chr19:38,543,354, plus strand): 5'-CATCTCCCCTAGCACATGGGAGGTGCTGGATAAATGACTTTTCATCTCCCCAGATTTCCA[G>C]AACTACCTACGGACACAGACAGGGAACACGACCACTATTAACATCATCATTTGCACTGTG-3'
Protein context (NP_000531.2, residues 3889-3909): LLCEGHNNDF[Gln3899His]NYLRTQTGNT

ClinVar aggregate classification (germline): Conflicting classifications of pathogenicity. Review status: criteria provided, conflicting classifications (1 of 4 stars). 2 submissions from 2 submitters: Likely pathogenic (1); Uncertain significance (1). Last evaluated 2024-12-23.

Conditions:
RYR1-related disorder. Also called: RYR1-related disorders; RYR1-related condition. Identifiers: MedGen CN239331.

Allele frequency attached by ClinVar (database versions not stated): TOPMed below 0.00001.

Submissions (2):

GeneDx
Classification: Uncertain significance. Last evaluated: 2024-12-23. Review status: criteria provided, single submitter. Criteria: GeneDx Variant Classification Process June 2021. Collection method: clinical testing. Allele origin: germline. Affected: yes.
Comment: Not observed at significant frequency in large population cohorts (gnomAD); In silico analysis supports that this missense variant has a deleterious effect on protein structure/function; Has not been previously published as pathogenic or benign to our knowledge

Labcorp Genetics (formerly Invitae), Labcorp
Classification: Likely pathogenic for RYR1-related disorder. Last evaluated: 2023-04-18. Review status: criteria provided, single submitter. Criteria: Invitae Variant Classification Sherloc (09022015). Collection method: clinical testing. Allele origin: germline.
Comment: In summary, the currently available evidence indicates that the variant is pathogenic, but additional data are needed to prove that conclusively. Therefore, this variant has been classified as Likely Pathogenic. This variant disrupts the p.Gln3899 amino acid residue in RYR1. Other variant(s) that disrupt this residue have been observed in individuals with RYR1-related conditions (PMID: 33333461), which suggests that this may be a clinically significant amino acid residue. Advanced modeling of protein sequence and biophysical properties (such as structural, functional, and spatial information, amino acid conservation, physicochemical variation, residue mobility, and thermodynamic stability) performed at Invitae indicates that this missense variant is expected to disrupt RYR1 protein function. ClinVar contains an entry for this variant (Variation ID: 642910). This missense change has been observed in individuals with clinical features of autosomal dominant RYR1-related conditions (Invitae). This variant is not present in population databases (gnomAD no frequency). This sequence change replaces glutamine, which is neutral and polar, with histidine, which is basic and polar, at codon 3899 of the RYR1 protein (p.Gln3899His).

Literature cited by the submitters: PubMed 33333461 (cited by Labcorp Genetics (formerly Invitae), Labcorp).